The following is an entry in ClinVar:

ClinVar aggregate classification (germline): Uncertain significance (0 of 4 stars; one submission).

Conditions:
PAK2-related disorder. Also called: PAK2-related condition.

Submission:

PreventionGenetics, part of Exact Sciences
Classification: Uncertain significance for PAK2-related condition. Last evaluated: 2023-11-07. Review status: no assertion criteria provided. Collection method: clinical testing. Allele origin: germline.
Comment: The PAK2 c.986G>T variant is predicted to result in the amino acid substitution p.Gly329Val. To our knowledge, this variant has not been reported in the literature or in a large population database, indicating this variant is rare. At this time, the clinical significance of this variant is uncertain due to the absence of conclusive functional and genetic evidence.

NM_002577.4(PAK2):c.986G>T (p.Gly329Val)

Gene: PAK2 (p21 (RAC1) activated kinase 2; plus strand). Cytogenetic location: 3q29.
Variant type: single nucleotide variant.
Coding change: c.986G>T on transcript NM_002577.4 (MANE Select); coding-DNA position 986, G replaced by T.
Protein change: p.Gly329Val; replaces glycine 329 with valine.
Molecular consequence: missense variant.
Genome position (GRCh38, 1-based): chr3:196,814,501, G>T. VCF-style: chr3-196814501-G-T. GRCh37 (hg19) VCF-style: chr3-196541372-G-T.
Other names: short protein forms G329V.
Identifiers: ClinVar variation 3053301 (VCV003053301.2), dbSNP rs2473993364, ClinGen allele CA355640715.